The following is an entry in ClinVar:

NM_001164508.2(NEB):c.17372G>A (p.Cys5791Tyr)

Gene: NEB (nebulin; minus strand). Cytogenetic location: 2q23.3.
Variant type: single nucleotide variant.
Coding change: c.17372G>A on transcript NM_001164508.2 (MANE Select); coding-DNA position 17372, G replaced by A.
Protein change: p.Cys5791Tyr; replaces cysteine 5791 with tyrosine.
Molecular consequence: missense variant.
Genome position (GRCh38, 1-based): chr2:151,570,139, C>T on the plus strand (G>A on the coding strand, the complement: NEB is on the minus strand). VCF-style: chr2-151570139-C-T. GRCh37 (hg19) VCF-style: chr2-152426653-C-T.
Other names: c.17372G>A, p.Cys5791Tyr (NM_001164507.2, NM_001271208.2); c.12269G>A, p.Cys4090Tyr (NM_004543.5); short protein forms C4090Y, C5791Y.
Identifiers: ClinVar variation 1442226 (VCV001442226.5), dbSNP rs780600292, ClinGen allele CA1908241.
Genomic context (GRCh38, chr2:151,570,139, plus strand): 5'-ACATCGCTCTGCAGTTCGTAGGCCTTCTTGGCCTGAATCACATCGTTCTGGTCGGGCATG[C>T]AGGTCCACTGGTGCAGGTAATTGCGGTAATCCATGTCACTGACCAGAGCCTGGGAATTTT-3'
Protein context (NP_001157980.2, residues 5781-5801): DYRNYLHQWT[Cys5791Tyr]MPDQNDVIQA

ClinVar aggregate classification (germline): Uncertain significance. Review status: criteria provided, multiple submitters, no conflicts (2 of 4 stars). 2 submissions from 2 submitters: Uncertain significance (2). Last evaluated 2022-06-13.

Conditions:
Nemaline myopathy 2 (NEM2). Also called: Nemaline myopathy 2, autosomal recessive. Identifiers: MedGen C1850569, MONDO:0009725, OMIM 256030.

Allele frequency attached by ClinVar (database versions not stated): gnomAD 0.00001; gnomAD exomes 0.00001; TOPMed 0.00002.
gnomAD v4.1: 3 of 1,613,006 alleles (0.00019%); highest among the groups gnomAD compares: African/African-American, 0.004%; no homozygotes.

Submissions (2):

Labcorp Genetics (formerly Invitae), Labcorp
Classification: Uncertain significance for Nemaline myopathy 2. Last evaluated: 2022-06-13. Review status: criteria provided, single submitter. Criteria: Invitae Variant Classification Sherloc (09022015). Collection method: clinical testing. Allele origin: germline.
Comment: This sequence change replaces cysteine, which is neutral and slightly polar, with tyrosine, which is neutral and polar, at codon 5791 of the NEB protein (p.Cys5791Tyr). This variant is present in population databases (rs780600292, gnomAD 0.02%). This variant has not been reported in the literature in individuals affected with NEB-related conditions. Algorithms developed to predict the effect of missense changes on protein structure and function are either unavailable or do not agree on the potential impact of this missense change (SIFT: "Deleterious"; PolyPhen-2: "Not Available"; Align-GVGD: "Class C0"). In summary, the available evidence is currently insufficient to determine the role of this variant in disease. Therefore, it has been classified as a Variant of Uncertain Significance.

Revvity Omics, Revvity
Classification: Uncertain significance. Last evaluated: 2021-07-22. Review status: criteria provided, single submitter. Criteria: ACMG Guidelines, 2015. Collection method: clinical testing. Allele origin: germline.